The following is an entry in ClinVar:

ClinVar aggregate classification (germline): Benign/Likely benign. Review status: criteria provided, multiple submitters, no conflicts (2 of 4 stars). 2 submissions from 2 submitters: Benign (1); Likely benign (1). Last evaluated 2026-01-11.

Allele frequency attached by ClinVar (database versions not stated): gnomAD exomes 0.00007 and 0.00018; ESP Exome Variant Server 0.00008; gnomAD 0.00011 and 0.00012; ExAC 0.00018; TOPMed 0.00019.

Submissions (2):

Labcorp Genetics (formerly Invitae), Labcorp
Classification: Likely benign. Last evaluated: 2026-01-11. Review status: criteria provided, single submitter. Criteria: Invitae Variant Classification Sherloc (09022015). Collection method: clinical testing. Allele origin: germline.

Women's Health and Genetics/Laboratory Corporation of America, LabCorp
Classification: Benign. Last evaluated: 2025-12-24. Review status: criteria provided, single submitter. Criteria: LabCorp Variant Classification Summary - May 2015. Collection method: clinical testing. Allele origin: germline.
Comment: Variant summary: OAS1 c.139C>T (p.Arg47X) results in a premature termination codon, predicted to cause a truncation of the encoded protein or absence of the protein due to nonsense mediated decay, however current evidence is not sufficient to establish loss of function as a mechanism for disease. The variant allele was found at a frequency of 0.00018 in 251390 control chromosomes, predominantly at a frequency of 0.0018 within the East Asian subpopulation in the gnomAD database. The observed variant frequency within East Asian control individuals in the gnomAD database exceeds the estimated maximal expected allele frequency for disease-causing variants in OAS1. To our knowledge, no occurrence of c.139C>T in individuals affected with OAS1-related conditions and no experimental evidence demonstrating its impact on protein function have been reported. ClinVar contains an entry for this variant (Variation ID: 1112169). Based on the evidence outlined above, the variant was classified as benign.

NM_016816.4(OAS1):c.139C>T (p.Arg47Ter)

Genes: OAS1 (2'-5'-oligoadenylate synthetase 1; plus strand), LOC130008812 (ATAC-STARR-seq lymphoblastoid active region 7052; plus strand). Cytogenetic location: 12q24.13.
Variant type: single nucleotide variant.
Coding change: c.139C>T on transcript NM_016816.4 (MANE Select); coding-DNA position 139, C replaced by T.
Protein change: p.Arg47Ter; replaces arginine 47 with a stop codon.
Molecular consequence: nonsense.
Genome position (GRCh38, 1-based): chr12:112,907,178, C>T. VCF-style: chr12-112907178-C-T. GRCh37 (hg19) VCF-style: chr12-113344983-C-T.
Other names: c.139C>T, p.Arg47Ter (NM_001032409.3, NM_001320151.2, NM_002534.4); short protein forms R47*.
Identifiers: ClinVar variation 1112169 (VCV001112169.10), dbSNP rs200259745, ClinGen allele CA6799687.